The following is an entry in ClinVar:

NM_000059.4(BRCA2):c.5039_5040del (p.Ser1680fs)

Gene: BRCA2 (BRCA2 DNA repair associated; plus strand). Cytogenetic location: 13q13.1.
Variant type: Deletion.
Coding change: c.5039_5040del on transcript NM_000059.4 (MANE Select); coding-DNA positions 5039 to 5040, 2 bases deleted (CT; older notation c.5039_5040delCT).
Protein change: p.Ser1680fs; shifts the reading frame from serine 1680.
Molecular consequence: frameshift variant.
Genome position (GRCh38, 1-based): chr13:32,339,394-32,339,395, CT deleted; deleting any 2 consecutive bases within chr13:32,339,393-32,339,395 gives the same sequence; the c. name uses the placement nearest the transcript's 3' end. VCF-style (leftmost placement, unchanged base first): chr13-32339392-TTC-T. GRCh37 (hg19) VCF-style: chr13-32913529-TTC-T.
Other names: 5267delCT; short protein forms S1680fs.
Identifiers: ClinVar variation 266843 (VCV000266843.9), dbSNP rs886040560, ClinGen allele CA10589282.

ClinVar aggregate classification (germline): Pathogenic. Review status: reviewed by expert panel (3 of 4 stars). 3 submissions from 3 submitters: Pathogenic (1). 2 of the submissions do not count toward it. Last evaluated 2016-10-18.

Conditions:
Breast-ovarian cancer, familial, susceptibility to, 2 (BROVCA2). Also called: BRCA2 Hereditary Breast and Ovarian Cancer. Identifiers: Orphanet 145, MedGen C2675520, MONDO:0012933, OMIM 612555. Disease mechanism: loss of function.
Hereditary breast ovarian cancer syndrome. Also called: BRCA1- and BRCA2-Associated Hereditary Breast and Ovarian Cancer; Hereditary breast and ovarian cancer; Breast and ovarian cancer; Hereditary breast and/or ovarian cancer syndrome; Hereditary breast and ovarian cancer syndrome; Hereditary breast and ovarian cancer syndrome (HBOC). Identifiers: Orphanet 145, MedGen C0677776, MeSH D061325, MONDO:0003582. Disease mechanism: loss of function.

Submissions (3):

Evidence-based Network for the Interpretation of Germline Mutant Alleles (ENIGMA)
Classification: Pathogenic for Breast-ovarian cancer, familial, susceptibility to, 2. Last evaluated: 2016-10-18. Review status: reviewed by expert panel. Criteria: ENIGMA BRCA1/2 Classification Criteria (2015). Collection method: curation. Allele origin: germline.
Comment: Variant allele predicted to encode a truncated non-functional protein.

Labcorp Genetics (formerly Invitae), Labcorp
Classification: Pathogenic for Hereditary breast ovarian cancer syndrome. Last evaluated: 2022-11-28. Review status: criteria provided, single submitter. Criteria: Invitae Variant Classification Sherloc (09022015). Collection method: clinical testing. Allele origin: germline. Not counted in ClinVar's aggregate classification.
Comment: For these reasons, this variant has been classified as Pathogenic. This sequence change creates a premature translational stop signal (p.Ser1680Cysfs*8) in the BRCA2 gene. It is expected to result in an absent or disrupted protein product. Loss-of-function variants in BRCA2 are known to be pathogenic (PMID: 20104584). This variant is not present in population databases (gnomAD no frequency). This variant has not been reported in the literature in individuals affected with BRCA2-related conditions. ClinVar contains an entry for this variant (Variation ID: 266843). RNA analysis performed to evaluate the impact of this premature translational stop signal on mRNA splicing indicates it does not significantly alter splicing (Invitae).

Consortium of Investigators of Modifiers of BRCA1/2 (CIMBA), c/o University of Cambridge
Classification: Pathogenic for Breast-ovarian cancer, familial, susceptibility to, 2. Last evaluated: 2015-10-02. Review status: criteria provided, single submitter. Criteria: CIMBA Mutation Classification guidelines May 2016. Collection method: clinical testing. Allele origin: germline. Not counted in ClinVar's aggregate classification.

Literature cited by the submitters: PubMed 20104584 (cited by Labcorp Genetics (formerly Invitae), Labcorp).